The following is an entry in ClinVar:

ClinVar aggregate classification (germline): Benign/Likely benign. Review status: criteria provided, multiple submitters, no conflicts (2 of 4 stars). 8 submissions from 8 submitters: Benign (1); Likely benign (6). 1 of the submissions does not count toward it. Last evaluated 2025-11-24.

Conditions:
Hereditary nonpolyposis colorectal neoplasms. Identifiers: MedGen C0009405, MeSH D003123.
Hereditary cancer-predisposing syndrome. Also called: Tumor predisposition; Hereditary neoplastic syndrome; Neoplastic Syndromes, Hereditary; Hereditary Cancer Syndrome. Identifiers: Orphanet 140162, MedGen C0027672, MeSH D009386, MONDO:0015356.
Lynch syndrome. Identifiers: Orphanet 144, MedGen C4552100, MONDO:0005835. Disease mechanism: loss of function.
Lynch syndrome 5 (LYNCH5). Also called: Hereditary non-polyposis colorectal cancer, type 5; Colorectal cancer, hereditary nonpolyposis, type 5. Identifiers: Orphanet 144, MedGen C1833477, MONDO:0013710, OMIM 614350. Disease mechanism: loss of function.
Carcinoma of colon (CRC). Also called: Colonic carcinoma; Colon carcinoma. Identifiers: MedGen C0699790, MONDO:0002032.

gnomAD v4.1: 21 of 1,614,066 alleles (0.0013%); highest among the groups gnomAD compares: Non-Finnish European, 0.0018%; no homozygotes.

Submissions (8):

Labcorp Genetics (formerly Invitae), Labcorp
Classification: Likely benign for Hereditary nonpolyposis colorectal neoplasms. Last evaluated: 2025-11-24. Review status: criteria provided, single submitter. Criteria: Invitae Variant Classification Sherloc (09022015). Collection method: clinical testing. Allele origin: germline.

Myriad Genetics, Inc.
Classification: Benign for Lynch syndrome 5. Last evaluated: 2025-01-06. Review status: criteria provided, single submitter. Criteria: Myriad Autosomal Dominant, Autosomal Recessive and X-Linked Classification Criteria (2023). Collection method: clinical testing. Allele origin: unknown.
Comment: This variant is considered benign. This variant is a silent/synonymous amino acid change and it is not expected to impact splicing.

All of Us Research Program, National Institutes of Health
Classification: Likely benign for Lynch syndrome. Last evaluated: 2023-11-30. Review status: criteria provided, single submitter. Criteria: ACMG Guidelines, 2015. Collection method: clinical testing. Allele origin: germline. Inheritance: Autosomal dominant inheritance. Observed: 3 variant alleles, 3 heterozygotes.
Comment: This study involves interpretation of variants in research participants for the purpose of population health screening. Participant phenotype was not available at the time of variant classification. Additional details can be found in publication PMID: 35346344, PMCID: PMC8962531

Sema4
Classification: Likely benign for Hereditary cancer-predisposing syndrome. Last evaluated: 2022-03-15. Review status: criteria provided, single submitter. Criteria: Sema4 Curation Guidelines. Collection method: curation. Allele origin: germline.

GeneDx
Classification: Likely benign. Last evaluated: 2019-05-08. Review status: criteria provided, single submitter. Criteria: GeneDx Variant Classification Process June 2021. Collection method: clinical testing. Allele origin: germline. Affected: yes.

Color Diagnostics, LLC DBA Color Health
Classification: Likely benign for Hereditary cancer-predisposing syndrome. Last evaluated: 2018-04-03. Review status: criteria provided, single submitter. Criteria: ACMG Guidelines, 2015. Collection method: clinical testing. Allele origin: germline.

Ambry Genetics
Classification: Likely benign for Hereditary cancer-predisposing syndrome. Last evaluated: 2015-05-13. Review status: criteria provided, single submitter. Criteria: Ambry Variant Classification Scheme 2023. Collection method: clinical testing. Allele origin: germline.

Department of Pathology and Laboratory Medicine, Sinai Health System
Classification: Likely benign for Carcinoma of colon. Review status: no assertion criteria provided. Collection method: clinical testing. Allele origin: unknown. Affected: yes. Study: The Canadian Open Genetics Repository (COGR). Not counted in ClinVar's aggregate classification.
Comment: The MSH6 p.Thr1100Thr variant was not identified in the literature nor was it identified in the Genesight-COGR, UMD-LSDB, Insight Colon Cancer Gene Variant Database, Zhejiang Colon Cancer Database, Mismatch Repair Genes Variant Database, Insight Hereditary Tumors Database. The variant was identified in dbSNP (ID: rs540252208) as â€šÃ„ÃºWith Likely benign alleleâ€šÃ„Ã¹, ClinVar (3x, as likely benign, by Ambry, GeneDx, Invitae), Clinvitae (3x, as likely benign and 1x as benign by clinvar), Cosmic (2x large intestine adenocarcinoma, 2 x endometrium carcinoma), databases. The variant was identified in control databases in 13 of 121374 chromosomes (freq. 0.0002) in the following populations: South Asian in 11 of 16512 chromosomes (freq. 0.00066), Latino in 1 of 11552 chromosomes (freq. 0.000086), European in 1 of 66732 chromosomes (freq. 0.000015), but was not seen in African, East Asian, Finnish and other populations in the Exome Aggregation Consortium database (August 8th 2016) and in 1 of 246224 chromosomes at a frequency of 0.000004 in European population, increasing the likelihood this could be a low frequency benign variant (Genome Aggregation Consortium Feb 27, 2017). The p.Thr1100 variant is not expected to have clinical significance because it does not result in a change of amino acid and is not located in a known consensus splice site. In addition, in silico or computational prediction software programs (SpliceSiteFinder, MaxEntScan, NNSPLICE, GeneSplicer, HumanSpliceFinder) do not predict a difference in splicing. In summary, based on the above information the clinical significance of this variant cannot be determined with certainty at this time although we would lean towards a more benign role for this variant. This variant is classified as likely benign.

NM_000179.3(MSH6):c.3300G>C (p.Thr1100=)

Gene: MSH6 (mutS homolog 6; plus strand). Cytogenetic location: 2p16.3.
Variant type: single nucleotide variant.
Coding change: c.3300G>C on transcript NM_000179.3 (MANE Select); coding-DNA position 3300, G replaced by C.
Protein change: p.Thr1100=; no amino-acid change (threonine 1100 retained).
Molecular consequence: synonymous variant.
Genome position (GRCh38, 1-based): chr2:47,803,547, G>C. VCF-style: chr2-47803547-G-C. GRCh37 (hg19) VCF-style: chr2-48030686-G-C.
Other names: c.2910G>C, p.Thr970= (NM_001281492.2); c.2394G>C, p.Thr798= (NM_001281493.2, NM_001281494.2).
Identifiers: ClinVar variation 184673 (VCV000184673.22), dbSNP rs540252208, ClinGen allele CA012490.